The following is an entry in ClinVar:

NM_005996.4(TBX3):c.858T>C (p.Thr286=)

Gene: TBX3 (T-box transcription factor 3; minus strand). Cytogenetic location: 12q24.21.
Variant type: single nucleotide variant.
Coding change: c.858T>C on transcript NM_005996.4 (MANE Select); coding-DNA position 858, T replaced by C.
Protein change: p.Thr286=; no amino-acid change (threonine 286 retained).
Molecular consequence: synonymous variant.
Genome position (GRCh38, 1-based): chr12:114,677,603, A>G on the plus strand (T>C on the coding strand, the complement: TBX3 is on the minus strand). VCF-style: chr12-114677603-A-G. GRCh37 (hg19) VCF-style: chr12-115115408-A-G.
Other names: c.918T>C, p.Thr306= (NM_016569.4).
Identifiers: ClinVar variation 3044097 (VCV003044097.4), dbSNP rs373797289, ClinGen allele CA6810076.

ClinVar aggregate classification (germline): Likely benign. Review status: criteria provided, single submitter (1 of 4 stars). 2 submissions from 2 submitters: Likely benign (1). 1 of the submissions does not count toward it. Last evaluated 2024-07-24.

Conditions:
TBX3-related disorder. Also called: TBX3-related condition.
Ulnar-mammary syndrome (UMS). Also called: Ulnar-mammary syndrome of Pallister; PALLISTER ULNAR-MAMMARY SYNDROME; SCHINZEL SYNDROME. Identifiers: Orphanet 3138, MedGen C1866994, MONDO:0008411, OMIM 181450.

Allele frequency attached by ClinVar (database versions not stated): gnomAD exomes 0.00001; ExAC 0.00002; ESP Exome Variant Server 0.00008; TOPMed 0.00014; gnomAD 0.00019.

Submissions (2):

Labcorp Genetics (formerly Invitae), Labcorp
Classification: Likely benign for Ulnar-mammary syndrome. Last evaluated: 2024-07-24. Review status: criteria provided, single submitter. Criteria: Invitae Variant Classification Sherloc (09022015). Collection method: clinical testing. Allele origin: germline.

PreventionGenetics, part of Exact Sciences
Classification: Likely benign for TBX3-related condition. Last evaluated: 2021-07-01. Review status: no assertion criteria provided. Collection method: clinical testing. Allele origin: germline. Not counted in ClinVar's aggregate classification.
Comment: This variant is classified as likely benign based on ACMG/AMP sequence variant interpretation guidelines (Richards et al. 2015 PMID: 25741868, with internal and published modifications).